The following is an entry in ClinVar:

NM_002485.5(NBN):c.1979G>C (p.Arg660Thr)

Gene: NBN (nibrin; minus strand). Cytogenetic location: 8q21.3.
Variant type: single nucleotide variant.
Coding change: c.1979G>C on transcript NM_002485.5 (MANE Select); coding-DNA position 1979, G replaced by C.
Protein change: p.Arg660Thr; replaces arginine 660 with threonine.
Molecular consequence: missense variant.
Genome position (GRCh38, 1-based): chr8:89,946,231, C>G on the plus strand (G>C on the coding strand, the complement: NBN is on the minus strand). VCF-style: chr8-89946231-C-G. GRCh37 (hg19) VCF-style: chr8-90958459-C-G.
Other names: c.1733G>C, p.Arg578Thr (NM_001024688.3); short protein forms R660T, R578T.
Identifiers: ClinVar variation 216567 (VCV000216567.37), dbSNP rs201781110, ClinGen allele CA335799.

ClinVar aggregate classification (germline): Conflicting classifications of pathogenicity. Review status: criteria provided, conflicting classifications (1 of 4 stars). 10 submissions from 10 submitters: Uncertain significance (8); Likely benign (1). 1 of the submissions does not count toward it. Last evaluated 2026-01-19.

Conditions:
NBN-related disorder. Also called: NBN-related condition.
Hereditary cancer-predisposing syndrome. Also called: Tumor predisposition; Hereditary Cancer Syndrome; Neoplastic Syndromes, Hereditary; Hereditary neoplastic syndrome. Identifiers: Orphanet 140162, MedGen C0027672, MeSH D009386, MONDO:0015356.
Microcephaly, normal intelligence and immunodeficiency (NBS). Also called: Nijmegen breakage syndrome; Microcephaly with normal intelligence immunodeficiency and lymphoreticular malignancies; Nonsyndromal microcephaly autosomal recessive with normal intelligence; Seemanova syndrome 2; BERLIN BREAKAGE SYNDROME; IMMUNODEFICIENCY, MICROCEPHALY, AND CHROMOSOMAL INSTABILITY. Identifiers: Orphanet 647, MedGen C0398791, MONDO:0009623, OMIM 251260.
Aplastic anemia. Identifiers: Orphanet 182040, Orphanet 88, MedGen C0002874, MONDO:0015909, OMIM 609135, HP:0001915.

Allele frequency attached by ClinVar (database versions not stated): ExAC 0.00002; gnomAD exomes 0.00003; TOPMed 0.00005; gnomAD 0.00007 and 0.00008; 1000 Genomes Project 0.00040; 1000 Genomes Project 30x 0.00047.

Submissions (10):

Labcorp Genetics (formerly Invitae), Labcorp
Classification: Uncertain significance for Microcephaly, normal intelligence and immunodeficiency. Last evaluated: 2026-01-19. Review status: criteria provided, single submitter. Criteria: Invitae Variant Classification Sherloc (09022015). Collection method: clinical testing. Allele origin: germline.
Comment: This sequence change replaces arginine, which is basic and polar, with threonine, which is neutral and polar, at codon 660 of the NBN protein (p.Arg660Thr). This variant is present in population databases (rs201781110, gnomAD 0.03%). This variant has not been reported in the literature in individuals affected with NBN-related conditions. ClinVar contains an entry for this variant (Variation ID: 216567). An algorithm developed to predict the effect of missense changes on protein structure and function (PolyPhen-2) suggests that this variant is likely to be disruptive. In summary, the available evidence is currently insufficient to determine the role of this variant in disease. Therefore, it has been classified as a Variant of Uncertain Significance.

GeneDx
Classification: Uncertain significance. Last evaluated: 2024-08-06. Review status: criteria provided, single submitter. Criteria: GeneDx Variant Classification Process June 2021. Collection method: clinical testing. Allele origin: germline. Affected: yes.
Comment: In silico analysis indicates that this missense variant does not alter protein structure/function; Observed in cases and controls in a breast cancer study (PMID: 33471991); This variant is associated with the following publications: (PMID: 36346689, 24894818, 33471991)

Baylor Genetics
Classification: Uncertain significance for Aplastic anemia. Last evaluated: 2024-03-02. Review status: criteria provided, single submitter. Criteria: ACMG Guidelines, 2015. Collection method: clinical testing. Allele origin: unknown.

Women's Health and Genetics/Laboratory Corporation of America, LabCorp
Classification: Uncertain significance. Last evaluated: 2023-06-23. Review status: criteria provided, single submitter. Criteria: LabCorp Variant Classification Summary - May 2015. Collection method: clinical testing. Allele origin: germline.
Comment: Variant summary: NBN c.1979G>C (p.Arg660Thr) results in a non-conservative amino acid change in the encoded protein sequence. Three of five in-silico tools predict a damaging effect of the variant on protein function. The variant allele was found at a frequency of 3.5e-05 in 282548 control chromosomes (gnomAD). This frequency is not higher than expected for a pathogenic variant in NBN causing Nijmegen Breakage Syndrome (3.5e-05 vs 0.0025), allowing no conclusion about variant significance. In a large study evaluating breast cancer cases and controls in the Breast Cancer Association Consortium (BCAC), the variant was reported in 1/60466 cases, but was also found in 1/53461 controls (Dorling_2021 through LOVD). This report does not provide unequivocal conclusions about association of the variant with Nijmegen Breakage Syndrome. To our knowledge, no experimental evidence demonstrating an impact on protein function has been reported. The following publication have been ascertained in the context of this evaluation (PMID: 33471991). Eight submitters have cited clinical-significance assessments (VUS: 7; Likely benign: 1) for this variant to ClinVar after 2014. Based on the evidence outlined above, the variant was classified as uncertain significance.

Quest Diagnostics Nichols Institute San Juan Capistrano
Classification: Uncertain significance. Last evaluated: 2023-05-15. Review status: criteria provided, single submitter. Criteria: Quest Diagnostics criteria. Collection method: clinical testing. Allele origin: unknown.
Comment: The frequency of this variant in the general population, 0.00032 (8/24962 chromosomes), is uninformative in assessment of its pathogenicity. In the published literature, the variant was found both in individuals with breast cancer as well as unaffected individuals in a large breast cancer association study (PMID: 33471991 (2021), see also LOVD). Analysis of this variant using bioinformatics tools for the prediction of the effect of amino acid changes on protein structure and function yielded predictions that this variant is benign. Based on the available information, we are unable to determine the clinical significance of this variant.

Ambry Genetics
Classification: Likely benign for Hereditary cancer-predisposing syndrome. Last evaluated: 2022-11-01. Review status: criteria provided, single submitter. Criteria: Ambry Variant Classification Scheme 2023. Collection method: clinical testing. Allele origin: germline.

PreventionGenetics, part of Exact Sciences
Classification: Uncertain significance for NBN-related condition. Last evaluated: 2022-10-20. Review status: criteria provided, single submitter. Criteria: ACMG Guidelines, 2015. Collection method: clinical testing. Allele origin: germline.
Comment: The NBN c.1979G>C variant is predicted to result in the amino acid substitution p.Arg660Thr. To our knowledge, this variant has not been reported in the literature in individuals with NBN-related disorders. This variant has been observed in 1/60466 cases in a large study evaluating breast cancer (Breast Cancer Association Consortium. et al 2021. PubMed ID: 33471991). This variant is reported in 0.032% of alleles in individuals of African descent in gnomAD and is interpreted as uncertain significance. At this time, the clinical significance of this variant is uncertain due to the absence of conclusive functional and genetic evidence.

Genome-Nilou Lab
Classification: Uncertain significance for Microcephaly, normal intelligence and immunodeficiency. Last evaluated: 2021-11-07. Review status: criteria provided, single submitter. Criteria: ACMG Guidelines, 2015. Collection method: clinical testing. Allele origin: germline. Affected: no.

Sema4
Classification: Uncertain significance for Hereditary cancer-predisposing syndrome. Last evaluated: 2021-07-01. Review status: criteria provided, single submitter. Criteria: Sema4 Curation Guidelines. Collection method: curation. Allele origin: germline.
Comment: The NBN c.1979G>C (p.R660T) variant has been reported in 1/60466 breast cancer cases and in 1/53461 healthy controls by a large case-control study (PMID: 33471991). It was observed in 8/24962 chromosomes of the African/African American subpopulation in the large and broad cohorts of the Genome Aggregation Database (PMID: 32461654). The variant has been reported in ClinVar (Variation ID: 216567). In silico tools suggest the impact of the variant on protein function is inconclusive, though these predictions have not been confirmed by functional studies. The evidence is insufficient to meet ACMG/AMP criteria for classifying the variant as benign or pathogenic. Thus, the clinical significance of this variant is currently uncertain.

Natera, Inc.
Classification: Uncertain significance for Nijmegen breakage syndrome. Last evaluated: 2020-01-27. Review status: no assertion criteria provided. Collection method: clinical testing. Allele origin: germline. Not counted in ClinVar's aggregate classification.

Literature cited by the submitters: PubMed 33471991 (cited by 3 submitters).